The following is an entry in ClinVar:

ClinVar aggregate classification (germline): Uncertain significance (1 of 4 stars; one submission).

Submission:

GeneDx
Classification: Uncertain significance. Last evaluated: 2023-05-02. Review status: criteria provided, single submitter. Criteria: GeneDx Variant Classification Process June 2021. Collection method: clinical testing. Allele origin: germline. Affected: yes.
Comment: Not observed at significant frequency in large population cohorts (gnomAD); In silico analysis supports that this missense variant has a deleterious effect on protein structure/function; Has not been previously published as pathogenic or benign to our knowledge

NM_000944.5(PPP3CA):c.856G>A (p.Ala286Thr)

Gene: PPP3CA (protein phosphatase 3 catalytic subunit alpha; minus strand). Cytogenetic location: 4q24.
Variant type: single nucleotide variant.
Coding change: c.856G>A on transcript NM_000944.5 (MANE Select); coding-DNA position 856, G replaced by A.
Protein change: p.Ala286Thr; replaces alanine 286 with threonine.
Molecular consequence: missense variant.
Genome position (GRCh38, 1-based): chr4:101,083,190, C>T on the plus strand (G>A on the coding strand, the complement: PPP3CA is on the minus strand). VCF-style: chr4-101083190-C-T. GRCh37 (hg19) VCF-style: chr4-102004347-C-T.
Other names: c.856G>A, p.Ala286Thr (NM_001130691.2, NM_001130692.2); short protein forms A286T.
Identifiers: ClinVar variation 2663439 (VCV002663439.1), dbSNP rs542649732, ClinGen allele CA357948382.